The following is an entry in ClinVar:

NM_020549.5(CHAT):c.1423A>T (p.Ser475Cys)

Gene: CHAT (choline O-acetyltransferase; plus strand). Cytogenetic location: 10q11.23.
Variant type: single nucleotide variant.
Coding change: c.1423A>T on transcript NM_020549.5 (MANE Select); coding-DNA position 1423, A replaced by T.
Protein change: p.Ser475Cys; replaces serine 475 with cysteine.
Molecular consequence: missense variant.
Genome position (GRCh38, 1-based): chr10:49,649,548, A>T. VCF-style: chr10-49649548-A-T. GRCh37 (hg19) VCF-style: chr10-50857594-A-T.
Other names: c.1069A>T, p.Ser357Cys (NM_001142929.2, NM_001142934.2, NM_020984.4 and 2 more transcripts); c.1177A>T, p.Ser393Cys (NM_001142933.2); short protein forms S393C, S475C, S357C.
Identifiers: ClinVar variation 664793 (VCV000664793.6), dbSNP rs765549293, ClinGen allele CA5497495.

ClinVar aggregate classification (germline): Uncertain significance. Review status: criteria provided, multiple submitters, no conflicts (2 of 4 stars). 2 submissions from 2 submitters: Uncertain significance (2). Last evaluated 2024-04-01.

Conditions:
Inborn genetic diseases. Identifiers: MedGen C0950123, MeSH D030342.
Familial infantile myasthenia (CMS6). Also called: Congenital myasthenic syndrome type 6; MYASTHENIC SYNDROME, CONGENITAL, 6, PRESYNAPTIC; MYASTHENIC SYNDROME, PRESYNAPTIC, CONGENITAL, ASSOCIATED WITH EPISODIC APNEA. Identifiers: Orphanet 590, MedGen C0393929, MONDO:0009689, OMIM 254210.

Allele frequency attached by ClinVar (database versions not stated): TOPMed 0.00001; gnomAD exomes 0.00002 and 0.00007; ExAC 0.00004; gnomAD 0.00005.
gnomAD v4.1: 105 of 1,613,804 alleles (0.0065%); highest among the groups gnomAD compares: Non-Finnish European, 0.0086%; no homozygotes.

Submissions (2):

Ambry Genetics
Classification: Uncertain significance for Inborn genetic diseases. Last evaluated: 2024-04-01. Review status: criteria provided, single submitter. Criteria: Ambry Variant Classification Scheme 2023. Collection method: clinical testing. Allele origin: germline.

Labcorp Genetics (formerly Invitae), Labcorp
Classification: Uncertain significance for Familial infantile myasthenia. Last evaluated: 2022-08-06. Review status: criteria provided, single submitter. Criteria: Invitae Variant Classification Sherloc (09022015). Collection method: clinical testing. Allele origin: germline.
Comment: This sequence change replaces serine, which is neutral and polar, with cysteine, which is neutral and slightly polar, at codon 475 of the CHAT protein (p.Ser475Cys). This variant is present in population databases (rs765549293, gnomAD 0.006%). This variant has not been reported in the literature in individuals affected with CHAT-related conditions. ClinVar contains an entry for this variant (Variation ID: 664793). Advanced modeling of protein sequence and biophysical properties (such as structural, functional, and spatial information, amino acid conservation, physicochemical variation, residue mobility, and thermodynamic stability) performed at Invitae indicates that this missense variant is not expected to disrupt CHAT protein function. In summary, the available evidence is currently insufficient to determine the role of this variant in disease. Therefore, it has been classified as a Variant of Uncertain Significance.